The following is an entry in ClinVar:

ClinVar aggregate classification (germline): Uncertain significance (1 of 4 stars; one submission).

Conditions:
Ataxia-telangiectasia syndrome (AT). Also called: Ataxia-telangiectasia; LOUIS-BAR SYNDROME; Ataxia-telangiectasia, complementation group D; AT, COMPLEMENTATION GROUP C; ATAXIA-TELANGIECTASIA, COMPLEMENTATION GROUP A; ATAXIA-TELANGIECTASIA, FRESNO VARIANT. Identifiers: Orphanet 100, MedGen C0004135, MONDO:0008840, OMIM 208900.

Submission:

Labcorp Genetics (formerly Invitae), Labcorp
Classification: Uncertain significance for Ataxia-telangiectasia syndrome. Last evaluated: 2024-04-22. Review status: criteria provided, single submitter. Criteria: Invitae Variant Classification Sherloc (09022015). Collection method: clinical testing. Allele origin: germline.
Comment: This sequence change replaces methionine, which is neutral and non-polar, with threonine, which is neutral and polar, at codon 2734 of the ATM protein (p.Met2734Thr). This variant is not present in population databases (gnomAD no frequency). This variant has not been reported in the literature in individuals affected with ATM-related conditions. ClinVar contains an entry for this variant (Variation ID: 1380278). An algorithm developed to predict the effect of missense changes on protein structure and function (PolyPhen-2) suggests that this variant is likely to be tolerated. In summary, the available evidence is currently insufficient to determine the role of this variant in disease. Therefore, it has been classified as a Variant of Uncertain Significance.

NM_000051.4(ATM):c.8201T>C (p.Met2734Thr)

Genes: ATM (ATM serine/threonine kinase; plus strand), C11orf65 (chromosome 11 open reading frame 65; minus strand). Cytogenetic location: 11q22.3.
Variant type: single nucleotide variant.
Coding change: c.8201T>C on transcript NM_000051.4 (MANE Select); coding-DNA position 8201, T replaced by C.
Protein change: p.Met2734Thr; replaces methionine 2734 with threonine.
Molecular consequence: missense variant. On other transcripts: intron variant (2).
Genome position (GRCh38, 1-based): chr11:108,335,894, T>C. VCF-style: chr11-108335894-T-C. GRCh37 (hg19) VCF-style: chr11-108206621-T-C.
Other names: c.8201T>C, p.Met2734Thr (NM_001351834.2); c.641-26823A>G (NM_001330368.2); c.695-602A>G (NM_001351110.2); short protein forms M2734T.
Identifiers: ClinVar variation 1380278 (VCV001380278.7), dbSNP rs2136695452, ClinGen allele CA382562561.